The following is an entry in ClinVar:

NM_014141.6(CNTNAP2):c.1458T>A (p.Ser486Arg)

Gene: CNTNAP2 (contactin associated protein 2; plus strand). Cytogenetic location: 7q35.
Variant type: single nucleotide variant.
Coding change: c.1458T>A on transcript NM_014141.6 (MANE Select); coding-DNA position 1458, T replaced by A.
Protein change: p.Ser486Arg; replaces serine 486 with arginine.
Molecular consequence: missense variant.
Genome position (GRCh38, 1-based): chr7:147,300,250, T>A. VCF-style: chr7-147300250-T-A. GRCh37 (hg19) VCF-style: chr7-146997342-T-A.
Other names: p.S486R:AGT>AGA; short protein forms S486R.
Identifiers: ClinVar variation 205312 (VCV000205312.13), dbSNP rs756274887, ClinGen allele CA314257.

ClinVar aggregate classification (germline): Uncertain significance. Review status: criteria provided, multiple submitters, no conflicts (2 of 4 stars). 3 submissions from 3 submitters: Uncertain significance (3). Last evaluated 2024-06-19.

Conditions:
Cortical dysplasia-focal epilepsy syndrome (PTHSL1). Also called: Pitt-Hopkins-like syndrome 1. Identifiers: Orphanet 163681, Orphanet 221150, MedGen C2750246, MONDO:0012400, OMIM 610042.

Allele frequency attached by ClinVar (database versions not stated): gnomAD below 0.00001 and 0.00001; TOPMed below 0.00001.
gnomAD v4.1: 27 of 1,613,770 alleles (0.0017%); highest among the groups gnomAD compares: South Asian, 0.03%; no homozygotes.

Submissions (3):

Blueprint Genetics
Classification: Uncertain significance. Last evaluated: 2024-06-19. Review status: criteria provided, single submitter. Criteria: ACMG Guidelines, 2015. Collection method: clinical testing. Allele origin: germline.

Labcorp Genetics (formerly Invitae), Labcorp
Classification: Uncertain significance for Cortical dysplasia-focal epilepsy syndrome. Last evaluated: 2023-10-03. Review status: criteria provided, single submitter. Criteria: Invitae Variant Classification Sherloc (09022015). Collection method: clinical testing. Allele origin: germline.
Comment: This sequence change replaces serine, which is neutral and polar, with arginine, which is basic and polar, at codon 486 of the CNTNAP2 protein (p.Ser486Arg). This variant is present in population databases (rs756274887, gnomAD 0.03%). This variant has not been reported in the literature in individuals affected with CNTNAP2-related conditions. ClinVar contains an entry for this variant (Variation ID: 205312). An algorithm developed to predict the effect of missense changes on protein structure and function (PolyPhen-2) suggests that this variant is likely to be disruptive. In summary, the available evidence is currently insufficient to determine the role of this variant in disease. Therefore, it has been classified as a Variant of Uncertain Significance.

GeneDx
Classification: Uncertain significance. Last evaluated: 2020-01-14. Review status: criteria provided, single submitter. Criteria: GeneDx Variant Classification (06012015). Collection method: clinical testing. Allele origin: germline. Affected: yes.
Comment: In silico analysis, which includes protein predictors and evolutionary conservation, supports that this variant does not alter protein structure/function Has not been previously published as pathogenic or benign to our knowledge